The following is an entry in ClinVar:

NM_015461.3(ZNF521):c.3066C>T (p.Cys1022=)

Gene: ZNF521 (zinc finger protein 521; minus strand). Cytogenetic location: 18q11.2.
Variant type: single nucleotide variant.
Coding change: c.3066C>T on transcript NM_015461.3 (MANE Select); coding-DNA position 3066, C replaced by T.
Protein change: p.Cys1022=; no amino-acid change (cysteine 1022 retained).
Molecular consequence: synonymous variant.
Genome position (GRCh38, 1-based): chr18:25,224,852, G>A on the plus strand (C>T on the coding strand, the complement: ZNF521 is on the minus strand). VCF-style: chr18-25224852-G-A. GRCh37 (hg19) VCF-style: chr18-22804816-G-A.
Other names: c.2406C>T, p.Cys802= (NM_001308225.2).
Identifiers: ClinVar variation 4083911 (VCV004083911.8).

ClinVar aggregate classification (germline): Likely benign (1 of 4 stars; one submission).

gnomAD v4.1: 16 of 1,613,868 alleles (0.00099%); highest among the groups gnomAD compares: African/African-American, 0.0027%; no homozygotes.

Submission:

CeGaT Center for Human Genetics Tuebingen
Classification: Likely benign. Last evaluated: 2025-07-01. Review status: criteria provided, single submitter. Criteria: CeGaT Center For Human Genetics Tuebingen Variant Classification Criteria Version 2. Collection method: clinical testing. Allele origin: germline. Affected: yes. Observed: 1 variant allele.
Comment: ZNF521: BP4, BP7